The following is an entry in ClinVar:

ClinVar aggregate classification (germline): Pathogenic (1 of 4 stars; one submission).

Submission:

Labcorp Genetics (formerly Invitae), Labcorp
Classification: Pathogenic. Last evaluated: 2023-07-19. Review status: criteria provided, single submitter. Criteria: Invitae Variant Classification Sherloc (09022015). Collection method: clinical testing. Allele origin: germline.
Comment: This sequence change creates a premature translational stop signal (p.Val150Aspfs*31) in the TSEN54 gene. It is expected to result in an absent or disrupted protein product. Loss-of-function variants in TSEN54 are known to be pathogenic (PMID: 18711368, 20952379). This variant is not present in population databases (gnomAD no frequency). This variant has not been reported in the literature in individuals affected with TSEN54-related conditions. For these reasons, this variant has been classified as Pathogenic.

Literature cited by the submitters: PubMed 18711368; PubMed 20952379.

NM_207346.3(TSEN54):c.449_450del (p.Val150fs)

Gene: TSEN54 (tRNA splicing endonuclease subunit 54; plus strand). Cytogenetic location: 17q25.1.
Variant type: Microsatellite.
Coding change: c.449_450del on transcript NM_207346.3 (MANE Select); coding-DNA positions 449 to 450, 2 bases deleted (TG; older notation c.449_450delTG).
Protein change: p.Val150fs; shifts the reading frame from valine 150.
Molecular consequence: frameshift variant.
Genome position (GRCh38, 1-based): chr17:75,517,636-75,517,637, TG deleted; deleting any 2 consecutive bases within chr17:75,517,634-75,517,637 gives the same sequence; the c. name uses the placement nearest the transcript's 3' end. VCF-style (leftmost placement, unchanged base first): chr17-75517633-CTG-C. GRCh37 (hg19) VCF-style: chr17-73513714-CTG-C.
Other names: short protein forms V150fs.
Identifiers: ClinVar variation 2795772 (VCV002795772.3), dbSNP rs974606638, ClinGen allele CA294076341.